The following is an entry in ClinVar:

ClinVar aggregate classification (germline): Uncertain significance. Review status: criteria provided, multiple submitters, no conflicts (2 of 4 stars). 3 submissions from 3 submitters: Uncertain significance (3). Last evaluated 2026-03-04.

Conditions:
USH2A-related disorder. Also called: USH2A-related disorders; USH2A-related condition. Identifiers: MedGen CN239332.
Retinal dystrophy. Also called: Inherited retinal dystrophy. Identifiers: Orphanet 71862, MedGen C0854723, MeSH D058499, MONDO:0019118, HP:0000556.

Submissions (3):

Myriad Genetics, Inc.
Classification: Uncertain significance for USH2A-related disorder. Last evaluated: 2026-03-04. Review status: criteria provided, single submitter. Criteria: Myriad Autosomal Dominant, Autosomal Recessive and X-Linked Classification Criteria (2023). Collection method: clinical testing. Allele origin: unknown.
Comment: NM_206933.2(USH2A):c.4627+3_4627+6delAAGT is an intronic variant classified as a variant of uncertain significance in the context of USH2A-related disorders. c.4627+3_4627+6delAAGT has not been observed in cases with relevant disease. Relevant functional assessments of this variant are not available in the literature. c.4627+3_4627+6delAAGT has not been observed in referenced population frequency databases. In summary, there is insufficient evidence to classify NM_206933.2(USH2A):c.4627+3_4627+6delAAGT as pathogenic or benign. Please note: this variant was assessed in the context of healthy population screening.

Dept Of Ophthalmology, Nagoya University
Classification: Uncertain significance for Retinal dystrophy. Last evaluated: 2023-10-01. Review status: criteria provided, single submitter. Criteria: Submitter's publication. Collection method: research. Allele origin: germline. Affected: yes.

Labcorp Genetics (formerly Invitae), Labcorp
Classification: Uncertain significance. Last evaluated: 2022-06-15. Review status: criteria provided, single submitter. Criteria: Invitae Variant Classification Sherloc (09022015). Collection method: clinical testing. Allele origin: germline.
Comment: This sequence change falls in intron 21 of the USH2A gene. It does not directly change the encoded amino acid sequence of the USH2A protein. It affects a nucleotide within the consensus splice site. This variant is not present in population databases (gnomAD no frequency). In summary, the available evidence is currently insufficient to determine the role of this variant in disease. Therefore, it has been classified as a Variant of Uncertain Significance. This variant has not been reported in the literature in individuals affected with USH2A-related conditions. Variants that disrupt the consensus splice site are a relatively common cause of aberrant splicing (PMID: 17576681, 9536098). Algorithms developed to predict the effect of sequence changes on RNA splicing suggest that this variant may disrupt the consensus splice site.

Literature cited by the submitters: PubMed 17576681 (cited by Labcorp Genetics (formerly Invitae), Labcorp); PubMed 9536098 (cited by Labcorp Genetics (formerly Invitae), Labcorp).

NM_206933.4(USH2A):c.4627+3_4627+6del

Gene: USH2A (usherin; minus strand). Cytogenetic location: 1q41.
Variant type: Deletion.
Coding change: c.4627+3_4627+6del on transcript NM_206933.4 (MANE Select); bases 3 to 6 of the intron after coding-DNA position 4627, 4 bases deleted (AAGT; older notation c.4627+3_4627+6delAAGT).
Molecular consequence: splice donor variant. On other transcripts: frameshift variant (1).
Genome position (GRCh38, 1-based): chr1:216,175,246-216,175,249, ACTT deleted on the plus strand (AAGT on the coding strand, the reverse complement: USH2A is on the minus strand); deleting any 4 consecutive bases within chr1:216,175,246-216,175,251 gives the same sequence; the c. name uses the placement nearest the transcript's 3' end. VCF-style (leftmost placement, unchanged base first): chr1-216175245-CACTT-C. GRCh37 (hg19) VCF-style: chr1-216348587-CACTT-C.
Other names: c.4630_4633delAAGT (NM_007123.6); c.4630_4633del, p.Lys1544fs (NM_007123.6); short protein forms K1544fs.
Identifiers: ClinVar variation 2006962 (VCV002006962.6), dbSNP rs2527987045, ClinGen allele CA2580062106.